The following is an entry in ClinVar:

ClinVar aggregate classification (germline): Pathogenic (1 of 4 stars; one submission).

Conditions:
Familial hemophagocytic lymphohistiocytosis 5. Also called: STXBP2-Related Familial Hemophagocytic Lymphohistiocytosis (STXBP2-fHLH). Identifiers: Orphanet 540, MedGen C2751293, MONDO:0013135, OMIM 613101.

Submission:

Labcorp Genetics (formerly Invitae), Labcorp
Classification: Pathogenic for Familial hemophagocytic lymphohistiocytosis 5. Last evaluated: 2023-10-16. Review status: criteria provided, single submitter. Criteria: Invitae Variant Classification Sherloc (09022015). Collection method: clinical testing. Allele origin: germline.
Comment: This sequence change creates a premature translational stop signal (p.Ser418Argfs*7) in the STXBP2 gene. It is expected to result in an absent or disrupted protein product. Loss-of-function variants in STXBP2 are known to be pathogenic (PMID: 19804848, 22451424). This variant is not present in population databases (gnomAD no frequency). This premature translational stop signal has been observed in individual(s) with hemophagocytic lymphohistiocytosis (PMID: 21152410). This variant is also known as 1243-1246AGTG. For these reasons, this variant has been classified as Pathogenic.

Literature cited by the submitters: PubMed 19804848; PubMed 22451424; PubMed 21152410.

NM_006949.4(STXBP2):c.1254_1257del (p.Ser418fs)

Gene: STXBP2 (syntaxin binding protein 2; plus strand). Cytogenetic location: 19p13.2.
Variant type: Microsatellite.
Coding change: c.1254_1257del on transcript NM_006949.4 (MANE Select); coding-DNA positions 1254 to 1257, 4 bases deleted (TGAG; older notation c.1254_1257delTGAG).
Protein change: p.Ser418fs; shifts the reading frame from serine 418.
Molecular consequence: frameshift variant. On other transcripts: non-coding transcript variant (1).
Genome position (GRCh38, 1-based): chr19:7,645,204-7,645,207, TGAG deleted; deleting any 4 consecutive bases within chr19:7,645,199-7,645,207 gives the same sequence; the c. name uses the placement nearest the transcript's 3' end. VCF-style (leftmost placement, unchanged base first): chr19-7645198-TGTGA-T. GRCh37 (hg19) VCF-style: chr19-7710084-TGTGA-T.
Other names: c.1245_1248del, p.Ser415fs (NM_001127396.3); c.1287_1290del, p.Ser429fs (NM_001272034.2); c.1158_1161del, p.Ser386fs (NM_001414484.1); short protein forms S418fs, S386fs, S415fs, S429fs.
Identifiers: ClinVar variation 2736769 (VCV002736769.4), dbSNP rs2512707857, ClinGen allele CA2695228050.